The following is an entry in ClinVar:

ClinVar aggregate classification (germline): Pathogenic (1 of 4 stars; one submission).

Submission:

CeGaT Center for Human Genetics Tuebingen
Classification: Pathogenic. Last evaluated: 2026-08-01. Review status: criteria provided, single submitter. Criteria: CeGaT Center For Human Genetics Tuebingen Variant Classification Criteria Version 2. Collection method: clinical testing. Allele origin: germline. Affected: yes. Observed: 1 variant allele.
Comment: PHKG2: PVS1, PM2, PM3

NM_000294.3(PHKG2):c.557-2A>G

Gene: PHKG2 (phosphorylase kinase catalytic subunit gamma 2; plus strand). Cytogenetic location: 16p11.2.
Variant type: single nucleotide variant.
Coding change: c.557-2A>G on transcript NM_000294.3 (MANE Select); the canonical splice acceptor site of the intron before coding-DNA position 557, A replaced by G.
Molecular consequence: splice acceptor variant.
Genome position (GRCh38, 1-based): chr16:30,756,180, A>G. VCF-style: chr16-30756180-A-G. GRCh37 (hg19) VCF-style: chr16-30767501-A-G.
Other names: c.557-2A>G (NM_001172432.2).
Identifiers: ClinVar variation 5039385 (VCV005039385.1).